The following is an entry in ClinVar:

NM_021969.3(NR0B2):c.350T>C (p.Ile117Thr)

Genes: NR0B2 (nuclear receptor subfamily 0 group B member 2; minus strand), NUDC (nuclear distribution C, dynein complex regulator; plus strand). Cytogenetic location: 1p36.11.
Variant type: single nucleotide variant.
Coding change: c.350T>C on transcript NM_021969.3 (MANE Select); coding-DNA position 350, T replaced by C.
Protein change: p.Ile117Thr; replaces isoleucine 117 with threonine.
Molecular consequence: missense variant.
Genome position (GRCh38, 1-based): chr1:26,913,591, A>G on the plus strand (T>C on the coding strand, the complement: NR0B2 is on the minus strand). VCF-style: chr1-26913591-A-G. GRCh37 (hg19) VCF-style: chr1-27240082-A-G.
Other names: short protein forms I117T.
Identifiers: ClinVar variation 4983873 (VCV004983873.1).

ClinVar aggregate classification (germline): Uncertain significance (1 of 4 stars; one submission).

Conditions:
NR0B2-related disorder. Also called: NR0B2-related condition.

gnomAD v4.1: 23 of 1,613,960 alleles (0.0014%); highest among the groups gnomAD compares: Non-Finnish European, 0.0019%; no homozygotes.

Submission:

PreventionGenetics, part of Exact Sciences
Classification: Uncertain significance for NR0B2-related condition. Last evaluated: 2024-10-17. Review status: criteria provided, single submitter. Criteria: ACMG Guidelines, 2015. Collection method: clinical testing. Allele origin: germline.
Comment: The NR0B2 c.350T>C variant is predicted to result in the amino acid substitution p.Ile117Thr. To our knowledge, this variant has not been reported in the literature. This variant is reported in 0.0023% of alleles in individuals of European (Non-Finnish) descent in gnomAD. At this time, the clinical significance of this variant is uncertain due to the absence of conclusive functional and genetic evidence.